The following is an entry in ClinVar:

NM_020632.3(ATP6V0A4):c.1156G>A (p.Gly386Ser)

Gene: ATP6V0A4 (ATPase H+ transporting V0 subunit a4; minus strand). Cytogenetic location: 7q34.
Variant type: single nucleotide variant.
Coding change: c.1156G>A on transcript NM_020632.3 (MANE Select); coding-DNA position 1156, G replaced by A.
Protein change: p.Gly386Ser; replaces glycine 386 with serine.
Molecular consequence: missense variant.
Genome position (GRCh38, 1-based): chr7:138,749,191, C>T on the plus strand (G>A on the coding strand, the complement: ATP6V0A4 is on the minus strand). VCF-style: chr7-138749191-C-T. GRCh37 (hg19) VCF-style: chr7-138433936-C-T.
Other names: c.1156G>A (NM_020632.2); c.1156G>A, p.Gly386Ser (NM_130840.3, NM_130841.3); short protein forms G386S.
Identifiers: ClinVar variation 1906883 (VCV001906883.6), dbSNP rs772098036, ClinGen allele CA4504885.

ClinVar aggregate classification (germline): Uncertain significance. Review status: criteria provided, multiple submitters, no conflicts (2 of 4 stars). 2 submissions from 2 submitters: Uncertain significance (2). Last evaluated 2024-09-10.

Conditions:
Inborn genetic diseases. Identifiers: MedGen C0950123, MeSH D030342.

Allele frequency attached by ClinVar (database versions not stated): ExAC 0.00001; gnomAD 0.00001; TOPMed 0.00002.
gnomAD v4.1: 10 of 1,613,956 alleles (0.00062%); highest among the groups gnomAD compares: Admixed American, 0.0033%; no homozygotes.

Submissions (2):

Ambry Genetics
Classification: Uncertain significance for Inborn genetic diseases. Last evaluated: 2024-09-10. Review status: criteria provided, single submitter. Criteria: Ambry Variant Classification Scheme 2023. Collection method: clinical testing. Allele origin: germline.

Labcorp Genetics (formerly Invitae), Labcorp
Classification: Uncertain significance. Last evaluated: 2022-05-31. Review status: criteria provided, single submitter. Criteria: Invitae Variant Classification Sherloc (09022015). Collection method: clinical testing. Allele origin: germline.
Comment: This sequence change replaces glycine, which is neutral and non-polar, with serine, which is neutral and polar, at codon 386 of the ATP6V0A4 protein (p.Gly386Ser). This variant is present in population databases (rs772098036, gnomAD 0.005%). This variant has not been reported in the literature in individuals affected with ATP6V0A4-related conditions. Algorithms developed to predict the effect of missense changes on protein structure and function are either unavailable or do not agree on the potential impact of this missense change (SIFT: "Tolerated"; PolyPhen-2: "Probably Damaging"; Align-GVGD: "Class C0"). In summary, the available evidence is currently insufficient to determine the role of this variant in disease. Therefore, it has been classified as a Variant of Uncertain Significance.